The following is an entry in ClinVar:

ClinVar aggregate classification (germline): Uncertain significance (1 of 4 stars; one submission).

Conditions:
Dihydropteridine reductase deficiency (HPABH4C). Also called: BH4-Deficient Hyperphenylalaninemia C; HYPERPHENYLALANINEMIA, TETRAHYDROBIOPTERIN-DEFICIENT, DUE TO DHPR DEFICIENCY; QDPR DEFICIENCY; QUINOID DIHYDROPTERIDINE REDUCTASE DEFICIENCY; Phenylketonuria II; Hyperphenylalaninemia due to dihydropteridine reductase deficiency. Identifiers: Orphanet 226, Orphanet 238583, MedGen C0268465, MONDO:0009862, OMIM 261630.

Submission:

Broad Center for Mendelian Genomics, Broad Institute of MIT and Harvard
Classification: Uncertain significance for Dihydropteridine reductase deficiency. Last evaluated: 2023-05-02. Review status: criteria provided, single submitter. Criteria: ACMG Guidelines, 2015. Collection method: curation. Allele origin: germline. Inheritance: Autosomal recessive inheritance.
Comment: The phenotype of this individual homozygous for this variant is highly specific for dihydropteridine reductase deficiency based on the absent DHPR activity observed (PMID: 33903016). The c.*119+12119G>A variant in QDPR has not been previously reported in individuals with dihydropteridine reductase deficiency, but has been identified in 0.06% (3/5190) of East Asian chromosomes by the Genome Aggregation Database (gnomAD; dbSNP ID: rs898384584). Although this variant has been seen in the general population in a heterozygous state, its frequency is not high enough to rule out a pathogenic role. The affected individual with this variant had an alternate molecular basis for the disease (dihydropteridine reductase deficiency) (PMID: 32022462, ClinVar Variation ID: 626310), suggesting that this variant may not be pathogenic. Computational prediction tools, including splice predictors, and conservation analyses suggest that this variant may not impact the protein, though this information is not predictive enough to rule out pathogenicity. In summary, the clinical significance of the c.*119+12119G>A variant is uncertain. ACMG/AMP Criteria applied: PM3_Supporting, PP4, BP4, BP5 (Richards 2015).

NC_000004.12:g.17475060C>T

Variant type: single nucleotide variant.
Genome position: GRCh38 VCF-style: chr4-17475060-C-T. GRCh37 (hg19) VCF-style: chr4-17476683-C-T.
Identifiers: ClinVar variation 2500845 (VCV002500845.1), dbSNP rs898384584, ClinGen allele CA92582256.